The following is an entry in ClinVar:

NM_004629.2(FANCG):c.1577C>T (p.Ala526Val)

Gene: FANCG (FA complementation group G; minus strand). Cytogenetic location: 9p13.3.
Variant type: single nucleotide variant.
Coding change: c.1577C>T on transcript NM_004629.2 (MANE Select); coding-DNA position 1577, C replaced by T.
Protein change: p.Ala526Val; replaces alanine 526 with valine.
Molecular consequence: missense variant.
Genome position (GRCh38, 1-based): chr9:35,074,986, G>A on the plus strand (C>T on the coding strand, the complement: FANCG is on the minus strand). VCF-style: chr9-35074986-G-A. GRCh37 (hg19) VCF-style: chr9-35074983-G-A.
Other names: short protein forms A526V.
Identifiers: ClinVar variation 4254448 (VCV004254448.2).

ClinVar aggregate classification (germline): Uncertain significance. Review status: criteria provided, multiple submitters, no conflicts (2 of 4 stars). 2 submissions from 2 submitters: Uncertain significance (2). Last evaluated 2025-07-18.

Conditions:
Inborn genetic diseases. Identifiers: MedGen C0950123, MeSH D030342.

Submissions (2):

Ambry Genetics
Classification: Uncertain significance for Inborn genetic diseases. Last evaluated: 2025-07-18. Review status: criteria provided, single submitter. Criteria: Ambry Variant Classification Scheme 2023. Collection method: clinical testing. Allele origin: germline.
Comment: The p.A526V variant (also known as c.1577C>T), located in coding exon 12 of the FANCG gene, results from a C to T substitution at nucleotide position 1577. The alanine at codon 526 is replaced by valine, an amino acid with similar properties. This amino acid position is conserved. In addition, this alteration is predicted to be tolerated by in silico analysis. Based on the available evidence, the clinical significance of this variant remains unclear.

Blueprint Genetics
Classification: Uncertain significance. Last evaluated: 2024-11-01. Review status: criteria provided, single submitter. Criteria: ACMG Guidelines, 2015. Collection method: clinical testing. Allele origin: germline.